The following is an entry in ClinVar:

ClinVar aggregate classification (germline): Uncertain significance (1 of 4 stars; one submission).

Conditions:
Inborn genetic diseases. Identifiers: MedGen C0950123, MeSH D030342.

Submission:

Ambry Genetics
Classification: Uncertain significance for Inborn genetic diseases. Last evaluated: 2026-05-24. Review status: criteria provided, single submitter. Criteria: Ambry Variant Classification Scheme 2023. Collection method: clinical testing. Allele origin: germline.
Comment: The p.Q190H variant (also known as c.570G>T), located in coding exon 5 of the BUB1B gene, results from a G to T substitution at nucleotide position 570. The glutamine at codon 190 is replaced by histidine, an amino acid with highly similar properties. This amino acid position is conserved. In addition, this alteration is predicted to be tolerated by in silico analysis. Based on the available evidence, the clinical significance of this variant remains unclear.

NM_001211.6(BUB1B):c.570G>T (p.Gln190His)

Gene: BUB1B (BUB1 mitotic checkpoint serine/threonine kinase B; plus strand). Cytogenetic location: 15q15.1.
Variant type: single nucleotide variant.
Coding change: c.570G>T on transcript NM_001211.6 (MANE Select); coding-DNA position 570, G replaced by T.
Protein change: p.Gln190His; replaces glutamine 190 with histidine.
Molecular consequence: missense variant.
Genome position (GRCh38, 1-based): chr15:40,176,662, G>T. VCF-style: chr15-40176662-G-T. GRCh37 (hg19) VCF-style: chr15-40468863-G-T.
Other names: short protein forms Q190H.
Identifiers: ClinVar variation 4868011 (VCV004868011.1).